The following is an entry in ClinVar:

ClinVar aggregate classification (germline): Pathogenic (1 of 4 stars; one submission).

Conditions:
Arteriovenous malformation. Also called: AVM. Identifiers: MedGen C0003857, MeSH D001165, HP:0100026.

Submission:

Clinical Genomics Laboratory, Washington University in St. Louis
Classification: Pathogenic for Arteriovenous malformation. Last evaluated: 2025-04-23. Review status: criteria provided, single submitter. Criteria: Leon-Quintero et al. (Clin Genet. 2025). Collection method: clinical testing. Allele origin: somatic. Affected: yes.
Comment: A RASA1 c.463G>T (p.Glu155*) variant was identified at an allelic fraction consistent with somatic origin. This variant has been identified in several individuals with capillary malformations (Zeng X et al., PMID: 30819650; Stevens CA et al., PMID: 29696775; Revencu N et al., PMID: 24038909). It is absent from the general population (gnomAD v.4.1.0), indicating it is not a common variant. The RASA1 c.463G>T (p.Glu155*) variant results in a premature termination codon, which is predicted to lead to nonsense mediated decay. Functional studies showed no RASA1 expression in cell lines with the p.Glu155* variant, indicating that this variant impacts protein function (Hayashi T et al., PMID: 29127119). Based on an internally developed protocol informed by the ACMG/AMP guidelines (Leon-Quintero FZ, et al., PMID: 39434542) and gene-specific practices from the ClinGen Criteria Specification Registry, the RASA1 c.463G>T (p.Glu155*) variant is classified as pathogenic.

NM_002890.3(RASA1):c.463G>T (p.Glu155Ter)

Gene: RASA1 (RAS p21 protein activator 1; plus strand). Cytogenetic location: 5q14.3.
Variant type: single nucleotide variant.
Coding change: c.463G>T on transcript NM_002890.3 (MANE Select); coding-DNA position 463, G replaced by T.
Protein change: p.Glu155Ter; replaces glutamic acid 155 with a stop codon.
Molecular consequence: nonsense.
Genome position (GRCh38, 1-based): chr5:87,268,914, G>T. VCF-style: chr5-87268914-G-T. GRCh37 (hg19) VCF-style: chr5-86564731-G-T.
Other names: short protein forms E155*.
Identifiers: ClinVar variation 4279976 (VCV004279976.1).